The following is an entry in ClinVar:

ClinVar aggregate classification (germline): Uncertain significance. Review status: criteria provided, single submitter (1 of 4 stars). 2 submissions from 2 submitters: Uncertain significance (1). 1 of the submissions does not count toward it. Last evaluated 2026-01-23.

Conditions:
Glycogen storage disease, type II (IOPD). Also called: CARDIOMEGALIA GLYCOGENICA DIFFUSA; GLYCOGENOSIS, GENERALIZED, CARDIAC FORM; GSD II; Glycogen storage disease type 2; Acid maltase deficiency disease; Aglucosidase alfa. Identifiers: Orphanet 365, MedGen C0017921, MONDO:0009290, OMIM 232300.

gnomAD v4.1: 1 of 1,614,038 alleles (0.000062%); highest among the groups gnomAD compares: Admixed American, 0.0017%; no homozygotes.

Submissions (2):

Women's Health and Genetics/Laboratory Corporation of America, LabCorp
Classification: Uncertain significance. Last evaluated: 2026-01-23. Review status: criteria provided, single submitter. Criteria: LabCorp Variant Classification Summary - May 2015. Collection method: clinical testing. Allele origin: germline.
Comment: Variant summary: GAA c.1708A>T (p.Asn570Tyr) results in a non-conservative amino acid change in the encoded protein sequence. Algorithms developed to predict the effect of missense changes on protein structure and function all suggest that this variant is likely to be disruptive. The variant allele was found at a frequency of 4e-06 in 251356 control chromosomes. The available data on variant occurrences in the general population are insufficient to allow any conclusion about variant significance. To our knowledge, no occurrence of c.1708A>T in individuals affected with GAA-related conditions and no experimental evidence demonstrating its impact on protein function have been reported. ClinVar contains an entry for this variant (Variation ID: 4068166). Based on the evidence outlined above, the variant was classified as uncertain significance.

Natera, Inc.
Classification: Uncertain significance for Glycogen storage disease type II. Last evaluated: 2025-03-10. Review status: no assertion criteria provided. Collection method: clinical testing. Allele origin: germline. Not counted in ClinVar's aggregate classification.

NM_000152.5(GAA):c.1708A>T (p.Asn570Tyr)

Gene: GAA (alpha glucosidase; plus strand). Cytogenetic location: 17q25.3.
Variant type: single nucleotide variant.
Coding change: c.1708A>T on transcript NM_000152.5 (MANE Select); coding-DNA position 1708, A replaced by T.
Protein change: p.Asn570Tyr; replaces asparagine 570 with tyrosine.
Molecular consequence: missense variant.
Genome position (GRCh38, 1-based): chr17:80,112,054, A>T. VCF-style: chr17-80112054-A-T. GRCh37 (hg19) VCF-style: chr17-78085853-A-T.
Other names: c.1708A>T, p.Asn570Tyr (NM_001079803.3, NM_001079804.3, NM_001406741.1 and 1 more transcripts); short protein forms N570Y.
Identifiers: ClinVar variation 4068166 (VCV004068166.2).